The following is an entry in ClinVar:

ClinVar aggregate classification (germline): Likely benign. Review status: criteria provided, multiple submitters, no conflicts (2 of 4 stars). 3 submissions from 3 submitters: Likely benign (3). Last evaluated 2025-10-13.

Conditions:
Autosomal recessive limb-girdle muscular dystrophy type 2J (LGMDR10). Also called: MUSCULAR DYSTROPHY, LIMB-GIRDLE, AUTOSOMAL RECESSIVE 10; Limb-girdle muscular dystrophy, type 2J. Identifiers: Orphanet 140922, MedGen C1837342, MONDO:0012127, OMIM 608807.
Dilated cardiomyopathy 1G (CMD1G). Identifiers: Orphanet 154, MedGen C1858763, MONDO:0011400, OMIM 604145.
Cardiovascular phenotype. Identifiers: MedGen CN230736.

Allele frequency attached by ClinVar (database versions not stated): TOPMed 0.00001.
gnomAD v4.1: 13 of 1,614,170 alleles (0.00081%); highest among the groups gnomAD compares: Non-Finnish European, 0.0011%; no homozygotes.

Submissions (3):

Labcorp Genetics (formerly Invitae), Labcorp
Classification: Likely benign for Dilated cardiomyopathy 1G; Autosomal recessive limb-girdle muscular dystrophy type 2J. Last evaluated: 2025-10-13. Review status: criteria provided, single submitter. Criteria: Invitae Variant Classification Sherloc (09022015). Collection method: clinical testing. Allele origin: germline.

Ambry Genetics
Classification: Likely benign for Cardiovascular phenotype. Last evaluated: 2021-07-07. Review status: criteria provided, single submitter. Criteria: Ambry Variant Classification Scheme 2023. Collection method: clinical testing. Allele origin: germline.

GeneDx
Classification: Likely benign. Last evaluated: 2018-02-21. Review status: criteria provided, single submitter. Criteria: GeneDx Variant Classification (06012015). Collection method: clinical testing. Allele origin: germline. Affected: yes.
Comment: This variant is considered likely benign or benign based on one or more of the following criteria: it is a conservative change, it occurs at a poorly conserved position in the protein, it is predicted to be benign by multiple in silico algorithms, and/or has population frequency not consistent with disease.

NM_001267550.2(TTN):c.996A>C (p.Ala332=)

Gene: TTN (titin; minus strand). Cytogenetic location: 2q31.2.
Variant type: single nucleotide variant.
Coding change: c.996A>C on transcript NM_001267550.2 (MANE Select); coding-DNA position 996, A replaced by C.
Protein change: p.Ala332=; no amino-acid change (alanine 332 retained).
Molecular consequence: synonymous variant.
Genome position (GRCh38, 1-based): chr2:178,795,171, T>G on the plus strand (A>C on the coding strand, the complement: TTN is on the minus strand). VCF-style: chr2-178795171-T-G. GRCh37 (hg19) VCF-style: chr2-179659898-T-G.
Other names: c.996A>C, p.Ala332= (NM_003319.4, NM_133378.4, NM_133379.5 and 3 more transcripts).
Identifiers: ClinVar variation 515692 (VCV000515692.5), dbSNP rs750838855, ClinGen allele CA430282914.
Genomic context (GRCh38, chr2:178,795,171, plus strand): 5'-GGCCACGTAGCCCTCTTGCTTCCAAGGGGGAGGCACTTCAGGACCTGTGGCCACGGTGGA[T>G]GCCTGAGTCTTACGCATGAGCAATGGAGACCTAACAGACCTGATGGGGGATGTGGAGATT-3'
Protein context (NP_001254479.2, residues 322-342): RSPLLMRKTQ[Ala332=]STVATGPEVP